The following is an entry in ClinVar:

NM_004304.5(ALK):c.508C>T (p.Leu170Phe)

Gene: ALK (ALK receptor tyrosine kinase; minus strand). Cytogenetic location: 2p23.1.
Variant type: single nucleotide variant.
Coding change: c.508C>T on transcript NM_004304.5 (MANE Select); coding-DNA position 508, C replaced by T.
Protein change: p.Leu170Phe; replaces leucine 170 with phenylalanine.
Molecular consequence: missense variant.
Genome position (GRCh38, 1-based): chr2:29,920,152, G>A on the plus strand (C>T on the coding strand, the complement: ALK is on the minus strand). VCF-style: chr2-29920152-G-A. GRCh37 (hg19) VCF-style: chr2-30143018-G-A.
Other names: short protein forms L170F.
Identifiers: ClinVar variation 1745258 (VCV001745258.7), dbSNP rs758868024, ClinGen allele CA1594949.

ClinVar aggregate classification (germline): Uncertain significance. Review status: criteria provided, multiple submitters, no conflicts (2 of 4 stars). 2 submissions from 2 submitters: Uncertain significance (2). Last evaluated 2022-04-09.

Conditions:
Hereditary cancer-predisposing syndrome. Also called: Neoplastic Syndromes, Hereditary; Tumor predisposition; Hereditary Cancer Syndrome; Hereditary neoplastic syndrome. Identifiers: Orphanet 140162, MedGen C0027672, MeSH D009386, MONDO:0015356.
Neuroblastoma, susceptibility to, 3. Also called: ALK-Related Neuroblastic Tumor Susceptibility. Identifiers: Orphanet 635, MedGen C2751681, MONDO:0013083, OMIM 613014.

Allele frequency attached by ClinVar (database versions not stated): ExAC 0.00002.
gnomAD v4.1: 2 of 1,613,794 alleles (0.00012%); highest among the groups gnomAD compares: East Asian, 0.0045%; no homozygotes.

Submissions (2):

Ambry Genetics
Classification: Uncertain significance for Hereditary cancer-predisposing syndrome. Last evaluated: 2022-04-09. Review status: criteria provided, single submitter. Criteria: Ambry Variant Classification Scheme 2023. Collection method: clinical testing. Allele origin: germline.
Comment: The p.L170F variant (also known as c.508C>T), located in coding exon 1 of the ALK gene, results from a C to T substitution at nucleotide position 508. The leucine at codon 170 is replaced by phenylalanine, an amino acid with highly similar properties. This amino acid position is conserved. In addition, the in silico prediction for this alteration is inconclusive. Since supporting evidence is limited at this time, the clinical significance of this alteration remains unclear.

Labcorp Genetics (formerly Invitae), Labcorp
Classification: Uncertain significance for Neuroblastoma, susceptibility to, 3. Last evaluated: 2022-02-19. Review status: criteria provided, single submitter. Criteria: Invitae Variant Classification Sherloc (09022015). Collection method: clinical testing. Allele origin: germline.
Comment: Algorithms developed to predict the effect of missense changes on protein structure and function are either unavailable or do not agree on the potential impact of this missense change (SIFT: "Deleterious"; PolyPhen-2: "Probably Damaging"; Align-GVGD: "Class C0"). In summary, the available evidence is currently insufficient to determine the role of this variant in disease. Therefore, it has been classified as a Variant of Uncertain Significance. This variant has not been reported in the literature in individuals affected with ALK-related conditions. This sequence change replaces leucine, which is neutral and non-polar, with phenylalanine, which is neutral and non-polar, at codon 170 of the ALK protein (p.Leu170Phe). This variant is present in population databases (rs758868024, gnomAD 0.01%).